The following is an entry in ClinVar:

ClinVar aggregate classification (germline): Conflicting classifications of pathogenicity. Review status: criteria provided, conflicting classifications (1 of 4 stars). 4 submissions from 4 submitters: Uncertain significance (1); Likely benign (2). 1 of the submissions does not count toward it. Last evaluated 2025-07-30.

Conditions:
Hereditary cancer-predisposing syndrome. Also called: Tumor predisposition; Hereditary neoplastic syndrome; Neoplastic Syndromes, Hereditary; Hereditary Cancer Syndrome. Identifiers: Orphanet 140162, MedGen C0027672, MeSH D009386, MONDO:0015356.
Hereditary breast ovarian cancer syndrome. Also called: Hereditary breast and ovarian cancer; BRCA1- and BRCA2-Associated Hereditary Breast and Ovarian Cancer; Hereditary breast and/or ovarian cancer syndrome; Hereditary breast and ovarian cancer syndrome; Hereditary breast and ovarian cancer syndrome (HBOC); Breast and ovarian cancer. Identifiers: Orphanet 145, MedGen C0677776, MeSH D061325, MONDO:0003582. Disease mechanism: loss of function.
Breast-ovarian cancer, familial, susceptibility to, 2 (BROVCA2). Also called: BRCA2 Hereditary Breast and Ovarian Cancer. Identifiers: Orphanet 145, MedGen C2675520, MONDO:0012933, OMIM 612555. Disease mechanism: loss of function.

Allele frequency attached by ClinVar (database versions not stated): gnomAD exomes below 0.00001.
gnomAD v4.1: 2 of 1,609,326 alleles (0.00012%); highest among the groups gnomAD compares: South Asian, 0.0022%; no homozygotes.

Submissions (4):

Labcorp Genetics (formerly Invitae), Labcorp
Classification: Uncertain significance for Hereditary breast ovarian cancer syndrome. Last evaluated: 2025-07-30. Review status: criteria provided, single submitter. Criteria: Invitae Variant Classification Sherloc (09022015). Collection method: clinical testing. Allele origin: germline.
Comment: This sequence change replaces isoleucine, which is neutral and non-polar, with valine, which is neutral and non-polar, at codon 666 of the BRCA2 protein (p.Ile666Val). This variant is present in population databases (no rsID available, gnomAD 0.003%). This missense change has been observed in individual(s) with breast and/or ovarian cancer (PMID: 30254663). ClinVar contains an entry for this variant (Variation ID: 219593). Invitae Evidence Modeling of protein sequence and biophysical properties (such as structural, functional, and spatial information, amino acid conservation, physicochemical variation, residue mobility, and thermodynamic stability) indicates that this missense variant is not expected to disrupt BRCA2 protein function with a negative predictive value of 95%. In summary, the available evidence is currently insufficient to determine the role of this variant in disease. Therefore, it has been classified as a Variant of Uncertain Significance.

Ambry Genetics
Classification: Likely benign for Hereditary cancer-predisposing syndrome. Last evaluated: 2023-12-26. Review status: criteria provided, single submitter. Criteria: Ambry Variant Classification Scheme 2023. Collection method: clinical testing. Allele origin: germline.

University of Washington Department of Laboratory Medicine, University of Washington
Classification: Likely benign for Hereditary cancer-predisposing syndrome. Last evaluated: 2023-03-23. Review status: criteria provided, single submitter. Criteria: Dines et al. (Genet Med. 2020). Collection method: curation. Allele origin: germline.
Comment: Missense variant in a coldspot region where missense variants are very unlikely to be pathogenic (PMID:31911673).

BRCA2 exon 11 coldspot. Reclassification based on statistical prior probability.

Department of Medical and Surgical Sciences, University of Bologna
Classification: Likely benign for Breast-ovarian cancer, familial, susceptibility to, 2. Last evaluated: 2023-09-01. Review status: no assertion criteria provided. Collection method: clinical testing. Allele origin: germline. Affected: yes. Not counted in ClinVar's aggregate classification.
Comment: PM2(Supporting)+BP1(Strong) according to ACMG/AMP classification guidelines specified for BRCA1 & BRCA2 (Classification Criteria V1.0.0 2023-09-08) (PMID: 38160042)

Literature cited by the submitters: PubMed 30254663 (cited by Labcorp Genetics (formerly Invitae), Labcorp and Ambry Genetics).

NM_000059.4(BRCA2):c.1996A>G (p.Ile666Val)

Gene: BRCA2 (BRCA2 DNA repair associated; plus strand). Cytogenetic location: 13q13.1.
Variant type: single nucleotide variant.
Coding change: c.1996A>G on transcript NM_000059.4 (MANE Select); coding-DNA position 1996, A replaced by G.
Protein change: p.Ile666Val; replaces isoleucine 666 with valine.
Molecular consequence: missense variant.
Genome position (GRCh38, 1-based): chr13:32,336,351, A>G. VCF-style: chr13-32336351-A-G. GRCh37 (hg19) VCF-style: chr13-32910488-A-G.
Other names: short protein forms I666V.
Identifiers: ClinVar variation 219593 (VCV000219593.14), dbSNP rs864622172, ClinGen allele CA348838.